The following is an entry in ClinVar:

NM_016107.5(ZFR):c.2754T>G (p.Gly918=)

Gene: ZFR (zinc finger RNA binding protein; minus strand). Cytogenetic location: 5p13.3.
Variant type: single nucleotide variant.
Coding change: c.2754T>G on transcript NM_016107.5 (MANE Select); coding-DNA position 2754, T replaced by G.
Protein change: p.Gly918=; no amino-acid change (glycine 918 retained).
Molecular consequence: synonymous variant. On other transcripts: non-coding transcript variant (1).
Genome position (GRCh38, 1-based): chr5:32,379,196, A>C on the plus strand (T>G on the coding strand, the complement: ZFR is on the minus strand). VCF-style: chr5-32379196-A-C. GRCh37 (hg19) VCF-style: chr5-32379302-A-C.
Identifiers: ClinVar variation 3034646 (VCV003034646.2), dbSNP rs1752887399, ClinGen allele CA443647693.

ClinVar aggregate classification (germline): Likely benign (0 of 4 stars; one submission).

Conditions:
ZFR-related disorder. Also called: ZFR-related condition.

Allele frequency attached by ClinVar (database versions not stated): TOPMed 0.00001.
gnomAD v4.1: 1 of 1,613,970 alleles (0.000062%); no homozygotes.

Submission:

PreventionGenetics, part of Exact Sciences
Classification: Likely benign for ZFR-related condition. Last evaluated: 2019-07-29. Review status: no assertion criteria provided. Collection method: clinical testing. Allele origin: germline.
Comment: This variant is classified as likely benign based on ACMG/AMP sequence variant interpretation guidelines (Richards et al. 2015 PMID: 25741868, with internal and published modifications).